The following is an entry in ClinVar:

ClinVar aggregate classification (germline): Likely benign. Review status: criteria provided, multiple submitters, no conflicts (2 of 4 stars). 2 submissions from 2 submitters: Likely benign (2). Last evaluated 2025-11-23.

Conditions:
Autosomal recessive limb-girdle muscular dystrophy type 2J (LGMDR10). Also called: MUSCULAR DYSTROPHY, LIMB-GIRDLE, AUTOSOMAL RECESSIVE 10; Limb-girdle muscular dystrophy, type 2J. Identifiers: Orphanet 140922, MedGen C1837342, MONDO:0012127, OMIM 608807.
Dilated cardiomyopathy 1G (CMD1G). Identifiers: Orphanet 154, MedGen C1858763, MONDO:0011400, OMIM 604145.

Allele frequency attached by ClinVar (database versions not stated): TOPMed 0.00002; gnomAD 0.00001; gnomAD exomes 0.00002.
gnomAD v4.1: 32 of 1,544,594 alleles (0.0021%); highest among the groups gnomAD compares: Non-Finnish European, 0.0024%; no homozygotes.

Submissions (2):

Labcorp Genetics (formerly Invitae), Labcorp
Classification: Likely benign for Dilated cardiomyopathy 1G; Autosomal recessive limb-girdle muscular dystrophy type 2J. Last evaluated: 2025-11-23. Review status: criteria provided, single submitter. Criteria: Invitae Variant Classification Sherloc (09022015). Collection method: clinical testing. Allele origin: germline.

Laboratory for Molecular Medicine, Mass General Brigham Personalized Medicine
Classification: Likely benign. Last evaluated: 2016-06-16. Review status: criteria provided, single submitter. Criteria: LMM Criteria. Collection method: clinical testing. Allele origin: germline. Observed: 1 variant allele.
Comment: c.27694+11T>C in intron 114 of TTN: This variant is not expected to have clinica l significance because a T>C change at this position does not diverge from the s plice consensus sequence and is therefore unlikely to impact splicing.

NM_001267550.2(TTN):c.31426+11T>C

Gene: TTN (titin; minus strand). Cytogenetic location: 2q31.2.
Variant type: single nucleotide variant.
Coding change: c.31426+11T>C on transcript NM_001267550.2 (MANE Select); 11 bases into the intron after coding-DNA position 31426, T replaced by C.
Molecular consequence: intron variant.
Genome position (GRCh38, 1-based): chr2:178,694,588, A>G on the plus strand (T>C on the coding strand, the complement: TTN is on the minus strand). VCF-style: chr2-178694588-A-G. GRCh37 (hg19) VCF-style: chr2-179559315-A-G.
Other names: c.13282+43494T>C (NM_003319.4); c.13858+43494T>C (NM_133437.4); c.13657+43494T>C (NM_133432.3); c.27694+11T>C (NM_133378.4); c.30475+11T>C (NM_001256850.1).
Identifiers: ClinVar variation 505122 (VCV000505122.10), dbSNP rs901251232, ClinGen allele CA60991632.